The following is an entry in ClinVar:

NM_001029883.3(PCARE):c.3708G>A (p.Gly1236=)

Gene: PCARE (photoreceptor cilium actin regulator; minus strand). Cytogenetic location: 2p23.2.
Variant type: single nucleotide variant.
Coding change: c.3708G>A on transcript NM_001029883.3 (MANE Select); coding-DNA position 3708, G replaced by A.
Protein change: p.Gly1236=; no amino-acid change (glycine 1236 retained).
Molecular consequence: synonymous variant.
Genome position (GRCh38, 1-based): chr2:29,065,028, C>T on the plus strand (G>A on the coding strand, the complement: PCARE is on the minus strand). VCF-style: chr2-29065028-C-T. GRCh37 (hg19) VCF-style: chr2-29287894-C-T.
Other names: c.3708G>A (NM_001029883.2).
Identifiers: ClinVar variation 1084037 (VCV001084037.11), dbSNP rs199853956, ClinGen allele CA1591845.

ClinVar aggregate classification (germline): Likely benign. Review status: criteria provided, multiple submitters, no conflicts (2 of 4 stars). 3 submissions from 3 submitters: Likely benign (3). Last evaluated 2025-11-28.

Conditions:
PCARE-related disorder. Also called: PCARE-related condition.

Allele frequency attached by ClinVar (database versions not stated): ExAC 0.00005; ESP Exome Variant Server 0.00008; gnomAD 0.00013 and 0.00014; 1000 Genomes Project 30x 0.00016; 1000 Genomes Project 0.00020; TOPMed 0.00020.
gnomAD v4.1: 43 of 1,554,880 alleles (0.0028%); highest among the groups gnomAD compares: African/African-American, 0.048%; no homozygotes.

Submissions (3):

Labcorp Genetics (formerly Invitae), Labcorp
Classification: Likely benign. Last evaluated: 2025-11-28. Review status: criteria provided, single submitter. Criteria: Invitae Variant Classification Sherloc (09022015). Collection method: clinical testing. Allele origin: germline.

PreventionGenetics, part of Exact Sciences
Classification: Likely benign for PCARE-related condition. Last evaluated: 2025-10-10. Review status: criteria provided, single submitter. Criteria: ACMG Guidelines, 2015. Collection method: clinical testing. Allele origin: germline.
Comment: This variant is classified as likely benign based on ACMG/AMP sequence variant interpretation guidelines (Richards et al. 2015 PMID: 25741868, with internal and published modifications).

Blueprint Genetics
Classification: Likely benign. Last evaluated: 2022-08-31. Review status: criteria provided, single submitter. Criteria: ACMG Guidelines, 2015. Collection method: clinical testing. Allele origin: germline.